The following is an entry in ClinVar:

NM_024577.4(SH3TC2):c.3254A>G (p.Lys1085Arg)

Gene: SH3TC2 (SH3 domain and tetratricopeptide repeats 2; minus strand). Cytogenetic location: 5q32.
Variant type: single nucleotide variant.
Coding change: c.3254A>G on transcript NM_024577.4 (MANE Select); coding-DNA position 3254, A replaced by G.
Protein change: p.Lys1085Arg; replaces lysine 1085 with arginine.
Molecular consequence: missense variant.
Genome position (GRCh38, 1-based): chr5:149,010,343, T>C on the plus strand (A>G on the coding strand, the complement: SH3TC2 is on the minus strand). VCF-style: chr5-149010343-T-C. GRCh37 (hg19) VCF-style: chr5-148389906-T-C.
Other names: short protein forms K1085R.
Identifiers: ClinVar variation 850953 (VCV000850953.10), dbSNP rs750149369, ClinGen allele CA128998746.

ClinVar aggregate classification (germline): Conflicting classifications of pathogenicity. Review status: criteria provided, conflicting classifications (1 of 4 stars). 3 submissions from 3 submitters: Uncertain significance (2); Likely benign (1). Last evaluated 2025-08-14.

Conditions:
Charcot-Marie-Tooth disease type 4. Also called: Charcot-Marie-Tooth disease, type IV; Charcot-Marie-Tooth, Type 4. Identifiers: Orphanet 64749, MedGen C4082197, MONDO:0018995.
Inborn genetic diseases. Identifiers: MedGen C0950123, MeSH D030342.

Allele frequency attached by ClinVar (database versions not stated): gnomAD exomes 0.00001; TOPMed 0.00002.
gnomAD v4.1: 48 of 1,614,126 alleles (0.003%); highest among the groups gnomAD compares: Non-Finnish European, 0.004%; no homozygotes.

Submissions (3):

Ambry Genetics
Classification: Uncertain significance for Inborn genetic diseases. Last evaluated: 2025-08-14. Review status: criteria provided, single submitter. Criteria: Ambry Variant Classification Scheme 2023. Collection method: clinical testing. Allele origin: germline.

Blueprint Genetics
Classification: Likely benign. Last evaluated: 2022-08-09. Review status: criteria provided, single submitter. Criteria: ACMG Guidelines, 2015. Collection method: clinical testing. Allele origin: germline.

Labcorp Genetics (formerly Invitae), Labcorp
Classification: Uncertain significance for Charcot-Marie-Tooth disease type 4. Last evaluated: 2022-02-27. Review status: criteria provided, single submitter. Criteria: Invitae Variant Classification Sherloc (09022015). Collection method: clinical testing. Allele origin: germline.
Comment: This sequence change replaces lysine, which is basic and polar, with arginine, which is basic and polar, at codon 1085 of the SH3TC2 protein (p.Lys1085Arg). This variant is present in population databases (rs750149369, gnomAD 0.0009%). This variant has not been reported in the literature in individuals affected with SH3TC2-related conditions. ClinVar contains an entry for this variant (Variation ID: 850953). Advanced modeling of protein sequence and biophysical properties (such as structural, functional, and spatial information, amino acid conservation, physicochemical variation, residue mobility, and thermodynamic stability) performed at Invitae indicates that this missense variant is not expected to disrupt SH3TC2 protein function. Algorithms developed to predict the effect of sequence changes on RNA splicing suggest that this variant may create or strengthen a splice site. In summary, the available evidence is currently insufficient to determine the role of this variant in disease. Therefore, it has been classified as a Variant of Uncertain Significance.